The following is an entry in ClinVar:

ClinVar aggregate classification (germline): Pathogenic (1 of 4 stars; one submission).

Submission:

Labcorp Genetics (formerly Invitae), Labcorp
Classification: Pathogenic. Last evaluated: 2023-12-22. Review status: criteria provided, single submitter. Criteria: Invitae Variant Classification Sherloc (09022015). Collection method: clinical testing. Allele origin: germline.
Comment: This sequence change creates a premature translational stop signal (p.Lys12Glnfs*156) in the AGXT gene. It is expected to result in an absent or disrupted protein product. Loss-of-function variants in AGXT are known to be pathogenic (PMID: 19479957). This variant is not present in population databases (gnomAD no frequency). This premature translational stop signal has been observed in individual(s) with hyperoxaluria (PMID: 25629080). Algorithms developed to predict the effect of sequence changes on RNA splicing suggest that this variant may create or strengthen a splice site. For these reasons, this variant has been classified as Pathogenic.

Literature cited by the submitters: PubMed 19479957; PubMed 25629080.

NM_000030.3(AGXT):c.32_33insT (p.Lys12fs)

Gene: AGXT (alanine--glyoxylate aminotransferase; plus strand). Cytogenetic location: 2q37.3.
Variant type: Insertion.
Coding change: c.32_33insT on transcript NM_000030.3 (MANE Select); coding-DNA positions 32 to 33, T inserted.
Protein change: p.Lys12fs; shifts the reading frame from lysine 12.
Molecular consequence: frameshift variant.
Genome position: GRCh38 VCF-style: chr2-240868897-C-CT. GRCh37 (hg19) VCF-style: chr2-241808314-C-CT.
Other names: short protein forms K12fs.
Identifiers: ClinVar variation 2704789 (VCV002704789.3), dbSNP rs2528738944, ClinGen allele CA2664004635.